The following is an entry in ClinVar:

ClinVar aggregate classification (germline): Benign/Likely benign. Review status: criteria provided, multiple submitters, no conflicts (2 of 4 stars). 3 submissions from 3 submitters: Benign (1); Likely benign (2). Last evaluated 2024-09-10.

Conditions:
Hereditary cancer-predisposing syndrome. Also called: Neoplastic Syndromes, Hereditary; Tumor predisposition; Hereditary Cancer Syndrome; Hereditary neoplastic syndrome. Identifiers: Orphanet 140162, MedGen C0027672, MeSH D009386, MONDO:0015356.
Fanconi anemia complementation group J. Also called: BRIP1-Related Fanconi Anemia. Identifiers: Orphanet 84, MedGen C1836860, MONDO:0012187, OMIM 609054.
Familial cancer of breast. Also called: BREAST CANCER, FAMILIAL; Hereditary breast cancer; hereditary breast carcinoma. Identifiers: Orphanet 227535, MedGen C0346153, MONDO:0016419, OMIM 114480. Disease mechanism: loss of function.

Allele frequency attached by ClinVar (database versions not stated): gnomAD 0.00001.
gnomAD v4.1: 1 of 1,611,410 alleles (0.000062%); highest among the groups gnomAD compares: African/African-American, 0.0013%; no homozygotes.

Submissions (3):

Myriad Genetics, Inc.
Classification: Benign for Familial cancer of breast. Last evaluated: 2024-09-10. Review status: criteria provided, single submitter. Criteria: Myriad Autosomal Dominant, Autosomal Recessive and X-Linked Classification Criteria (2023). Collection method: clinical testing. Allele origin: unknown.
Comment: This variant is considered benign. This variant is a silent/synonymous amino acid change and it is not expected to impact splicing.

Labcorp Genetics (formerly Invitae), Labcorp
Classification: Likely benign for Familial cancer of breast; Fanconi anemia complementation group J. Last evaluated: 2022-09-13. Review status: criteria provided, single submitter. Criteria: Invitae Variant Classification Sherloc (09022015). Collection method: clinical testing. Allele origin: germline.

Ambry Genetics
Classification: Likely benign for Hereditary cancer-predisposing syndrome. Last evaluated: 2020-12-25. Review status: criteria provided, single submitter. Criteria: Ambry Variant Classification Scheme 2023. Collection method: clinical testing. Allele origin: germline.

NM_032043.3(BRIP1):c.3702T>C (p.Phe1234=)

Gene: BRIP1 (BRCA1 interacting DNA helicase 1; minus strand). Cytogenetic location: 17q23.2.
Variant type: single nucleotide variant.
Coding change: c.3702T>C on transcript NM_032043.3 (MANE Select); coding-DNA position 3702, T replaced by C.
Protein change: p.Phe1234=; no amino-acid change (phenylalanine 1234 retained).
Molecular consequence: synonymous variant.
Genome position (GRCh38, 1-based): chr17:61,683,344, A>G on the plus strand (T>C on the coding strand, the complement: BRIP1 is on the minus strand). VCF-style: chr17-61683344-A-G. GRCh37 (hg19) VCF-style: chr17-59760705-A-G.
Identifiers: ClinVar variation 1734114 (VCV001734114.8), dbSNP rs2061296981, ClinGen allele CA501335087.